The following is an entry in ClinVar:

ClinVar aggregate classification (germline): Likely benign (0 of 4 stars; one submission).

Conditions:
IQSEC3-related disorder. Also called: IQSEC3-related condition.

Allele frequency attached by ClinVar (database versions not stated): ExAC 0.00020; ESP Exome Variant Server 0.00054; gnomAD 0.00067; TOPMed 0.00096; 1000 Genomes Project 0.00100; 1000 Genomes Project 30x 0.00109.
gnomAD v4.1: 212 of 1,614,024 alleles (0.013%); highest among the groups gnomAD compares: African/African-American, 0.25%; no homozygotes.

Submission:

PreventionGenetics, part of Exact Sciences
Classification: Likely benign for IQSEC3-related condition. Last evaluated: 2022-03-21. Review status: no assertion criteria provided. Collection method: clinical testing. Allele origin: germline.
Comment: This variant is classified as likely benign based on ACMG/AMP sequence variant interpretation guidelines (Richards et al. 2015 PMID: 25741868, with internal and published modifications).

NM_001170738.2(IQSEC3):c.3114+141C>T

Genes: IQSEC3 (IQ motif and Sec7 domain ArfGEF 3; plus strand), IQSEC3-AS1 (IQSEC3 antisense RNA 1; minus strand). Cytogenetic location: 12p13.33.
Variant type: single nucleotide variant.
Coding change: c.3114+141C>T on transcript NM_001170738.2 (MANE Select); 141 bases into the intron after coding-DNA position 3114, C replaced by T.
Molecular consequence: genic downstream transcript variant. On other transcripts: missense variant (1).
Genome position (GRCh38, 1-based): chr12:171,302, C>T. VCF-style: chr12-171302-C-T. GRCh37 (hg19) VCF-style: chr12-280468-C-T.
Other names: c.2261C>T, p.Thr754Ile (NM_015232.2); short protein forms T754I.
Identifiers: ClinVar variation 3043084 (VCV003043084.2), dbSNP rs145014866, ClinGen allele CA6376871.